The following is an entry in ClinVar:

NM_006270.5(RRAS):c.609C>T (p.Pro203=)

Gene: RRAS (RAS related; minus strand). Cytogenetic location: 19q13.33.
Variant type: single nucleotide variant.
Coding change: c.609C>T on transcript NM_006270.5 (MANE Select); coding-DNA position 609, C replaced by T.
Protein change: p.Pro203=; no amino-acid change (proline 203 retained).
Molecular consequence: synonymous variant.
Genome position (GRCh38, 1-based): chr19:49,635,624, G>A on the plus strand (C>T on the coding strand, the complement: RRAS is on the minus strand). VCF-style: chr19-49635624-G-A. GRCh37 (hg19) VCF-style: chr19-50138881-G-A.
Other names: c.609C>T (NM_006270.4).
Identifiers: ClinVar variation 2725369 (VCV002725369.5), dbSNP rs1297251901, ClinGen allele CA508130029.

ClinVar aggregate classification (germline): Likely benign. Review status: criteria provided, single submitter (1 of 4 stars). 2 submissions from 2 submitters: Likely benign (1). 1 of the submissions does not count toward it. Last evaluated 2025-02-18.

Conditions:
RRAS-related disorder. Also called: RRAS-related condition.
Noonan syndrome (NS). Also called: Noonan's syndrome. Identifiers: Orphanet 648, MedGen C0028326, MeSH D009634, MONDO:0018997. Disease mechanism: gain of function.

Allele frequency attached by ClinVar (database versions not stated): gnomAD 0.00001; TOPMed 0.00001.
gnomAD v4.1: 4 of 1,439,626 alleles (0.00028%); highest among the groups gnomAD compares: Non-Finnish European, 0.00037%; no homozygotes.

Submissions (2):

Labcorp Genetics (formerly Invitae), Labcorp
Classification: Likely benign for Noonan syndrome. Last evaluated: 2025-02-18. Review status: criteria provided, single submitter. Criteria: Invitae Variant Classification Sherloc (09022015). Collection method: clinical testing. Allele origin: germline.

PreventionGenetics, part of Exact Sciences
Classification: Likely benign for RRAS-related condition. Last evaluated: 2020-11-13. Review status: no assertion criteria provided. Collection method: clinical testing. Allele origin: germline. Not counted in ClinVar's aggregate classification.
Comment: This variant is classified as likely benign based on ACMG/AMP sequence variant interpretation guidelines (Richards et al. 2015 PMID: 25741868, with internal and published modifications).